The following is an entry in ClinVar:

ClinVar aggregate classification (germline): Uncertain significance. Review status: criteria provided, multiple submitters, no conflicts (2 of 4 stars). 2 submissions from 2 submitters: Uncertain significance (2). Last evaluated 2025-01-01.

Conditions:
Primary ciliary dyskinesia 28. Also called: CILIARY DYSKINESIA, PRIMARY, 28, WITH OR WITHOUT SITUS INVERSUS. Identifiers: Orphanet 244, MedGen C3809706, MONDO:0014216, OMIM 615505.
Primary ciliary dyskinesia. Also called: Ciliary dyskinesia. Identifiers: Orphanet 244, MedGen C0008780, MONDO:0016575, HP:0012265.

Allele frequency attached by ClinVar (database versions not stated): gnomAD exomes 0.00001 and 0.00005; ExAC 0.00007; 1000 Genomes Project 30x 0.00016; TOPMed 0.00017; gnomAD 0.00018 and 0.00019; 1000 Genomes Project 0.00020; ESP Exome Variant Server 0.00031.
gnomAD v4.1: 47 of 1,613,046 alleles (0.0029%); highest among the groups gnomAD compares: African/African-American, 0.06%; no homozygotes.

Submissions (2):

Ambry Genetics
Classification: Uncertain significance for Primary ciliary dyskinesia. Last evaluated: 2025-01-01. Review status: criteria provided, single submitter. Criteria: Ambry Variant Classification Scheme 2023. Collection method: clinical testing. Allele origin: germline.

Labcorp Genetics (formerly Invitae), Labcorp
Classification: Uncertain significance for Primary ciliary dyskinesia 28. Last evaluated: 2021-09-02. Review status: criteria provided, single submitter. Criteria: Invitae Variant Classification Sherloc (09022015). Collection method: clinical testing. Allele origin: germline.
Comment: This sequence change replaces methionine with threonine at codon 521 of the SPAG1 protein (p.Met521Thr). The methionine residue is weakly conserved and there is a moderate physicochemical difference between methionine and threonine. This variant is present in population databases (rs140258045, ExAC 0.08%). This variant has not been reported in the literature in individuals affected with SPAG1-related conditions. Algorithms developed to predict the effect of missense changes on protein structure and function are either unavailable or do not agree on the potential impact of this missense change (SIFT: "Deleterious"; PolyPhen-2: "Benign"; Align-GVGD: "Class C25"). In summary, the available evidence is currently insufficient to determine the role of this variant in disease. Therefore, it has been classified as a Variant of Uncertain Significance.

NM_003114.5(SPAG1):c.1562T>C (p.Met521Thr)

Gene: SPAG1 (sperm associated antigen 1; plus strand). Cytogenetic location: 8q22.2.
Variant type: single nucleotide variant.
Coding change: c.1562T>C on transcript NM_003114.5 (MANE Select); coding-DNA position 1562, T replaced by C.
Protein change: p.Met521Thr; replaces methionine 521 with threonine.
Molecular consequence: missense variant.
Genome position (GRCh38, 1-based): chr8:100,220,305, T>C. VCF-style: chr8-100220305-T-C. GRCh37 (hg19) VCF-style: chr8-101232533-T-C.
Other names: c.1562T>C, p.Met521Thr (NM_001374321.1, NM_172218.3); short protein forms M521T.
Identifiers: ClinVar variation 474654 (VCV000474654.9), dbSNP rs140258045, ClinGen allele CA4827537.